The following is an entry in ClinVar:

ClinVar aggregate classification (germline): Uncertain significance. Review status: criteria provided, multiple submitters, no conflicts (2 of 4 stars). 3 submissions from 3 submitters: Uncertain significance (3). Last evaluated 2025-03-22.

Conditions:
Retinal arterial tortuosity. Also called: RETINAL HEMORRHAGE WITH VASCULAR TORTUOSITY; Retinal arteries, tortuosity of. Identifiers: Orphanet 75326, MedGen C0423401, MONDO:0008373, OMIM 180000, HP:0000631.
Autosomal dominant familial hematuria-retinal arteriolar tortuosity-contractures syndrome. Also called: Angiopathy, hereditary, with nephropathy, aneurysms, and muscle cramps; Hereditary Angiopathy with Nephropathy, Aneurysms, and Muscle Cramps (HANAC) Syndrome. Identifiers: Orphanet 73229, MedGen C2673195, MONDO:0012726, OMIM 611773.
Microangiopathy and leukoencephalopathy, pontine, autosomal dominant. Also called: DEMENTIA, HEREDITARY MULTI-INFARCT, SWEDISH TYPE; Pontine autosomal dominant microangiopathy with leukoencephalopathy. Identifiers: Orphanet 477749, MedGen C5231411, MONDO:0032814, OMIM 618564.
Brain small vessel disease 1 with or without ocular anomalies (BSVD1). Also called: BRAIN SMALL VESSEL DISEASE WITH HEMORRHAGE; PORENCEPHALY, TYPE 1, AUTOSOMAL DOMINANT; Brain small vessel disease with or without ocular anomalies; GOULD SYNDROME 1. Identifiers: Orphanet 2940, Orphanet 36383, Orphanet 99810, MedGen C4755307, MONDO:0008289, OMIM 175780.
Hemorrhage, intracerebral, susceptibility to (ICH). Also called: Stroke, hemorrhagic, susceptibility to. Identifiers: MedGen C3281105, MONDO:0100533, OMIM 614519.
Inborn genetic diseases. Identifiers: MedGen C0950123, MeSH D030342.

gnomAD v4.1: 21 of 1,609,378 alleles (0.0013%); highest among the groups gnomAD compares: Non-Finnish European, 0.0017%; no homozygotes.

Submissions (3):

Labcorp Genetics (formerly Invitae), Labcorp
Classification: Uncertain significance. Last evaluated: 2025-03-22. Review status: criteria provided, single submitter. Criteria: Invitae Variant Classification Sherloc (09022015). Collection method: clinical testing. Allele origin: germline.
Comment: This sequence change replaces lysine, which is basic and polar, with arginine, which is basic and polar, at codon 291 of the COL4A1 protein (p.Lys291Arg). This variant is not present in population databases (gnomAD no frequency). This variant has not been reported in the literature in individuals affected with COL4A1-related conditions. ClinVar contains an entry for this variant (Variation ID: 3495479). Invitae Evidence Modeling of protein sequence and biophysical properties (such as structural, functional, and spatial information, amino acid conservation, physicochemical variation, residue mobility, and thermodynamic stability) indicates that this missense variant is not expected to disrupt COL4A1 protein function with a negative predictive value of 95%. In summary, the available evidence is currently insufficient to determine the role of this variant in disease. Therefore, it has been classified as a Variant of Uncertain Significance.

Ambry Genetics
Classification: Uncertain significance for Inborn genetic diseases. Last evaluated: 2024-12-03. Review status: criteria provided, single submitter. Criteria: Ambry Variant Classification Scheme 2023. Collection method: clinical testing. Allele origin: germline.

Fulgent Genetics
Classification: Uncertain significance for Brain small vessel disease 1 with or without ocular anomalies; Retinal arterial tortuosity; Autosomal dominant familial hematuria-retinal arteriolar tortuosity-contractures syndrome; Hemorrhage, intracerebral, susceptibility to; Microangiopathy and leukoencephalopathy, pontine, autosomal dominant. Last evaluated: 2024-04-22. Review status: criteria provided, single submitter. Criteria: ACMG Guidelines, 2015. Collection method: clinical testing. Allele origin: germline.

NM_001845.6(COL4A1):c.872A>G (p.Lys291Arg)

Gene: COL4A1 (collagen type IV alpha 1 chain; minus strand). Cytogenetic location: 13q34.
Variant type: single nucleotide variant.
Coding change: c.872A>G on transcript NM_001845.6 (MANE Select); coding-DNA position 872, A replaced by G.
Protein change: p.Lys291Arg; replaces lysine 291 with arginine.
Molecular consequence: missense variant.
Genome position (GRCh38, 1-based): chr13:110,205,525, T>C on the plus strand (A>G on the coding strand, the complement: COL4A1 is on the minus strand). VCF-style: chr13-110205525-T-C. GRCh37 (hg19) VCF-style: chr13-110857872-T-C.
Other names: c.872A>G, p.Lys291Arg (NM_001303110.2); short protein forms K291R.
Identifiers: ClinVar variation 3495479 (VCV003495479.4).